The following is an entry in ClinVar:

NM_005422.4(TECTA):c.5870A>T (p.Asp1957Val)

Genes: TBCEL-TECTA (TBCEL-TECTA readthrough; plus strand), TECTA (tectorin alpha; plus strand). Cytogenetic location: 11q23.3.
Variant type: single nucleotide variant.
Coding change: c.5870A>T on transcript NM_005422.4 (MANE Select); coding-DNA position 5870, A replaced by T.
Protein change: p.Asp1957Val; replaces aspartic acid 1957 with valine.
Molecular consequence: missense variant.
Genome position (GRCh38, 1-based): chr11:121,168,796, A>T. VCF-style: chr11-121168796-A-T. GRCh37 (hg19) VCF-style: chr11-121039505-A-T.
Other names: c.6812A>T, p.Asp2271Val (NM_001378761.1); short protein forms D1957V, D2271V.
Identifiers: ClinVar variation 4995985 (VCV004995985.1).

ClinVar aggregate classification (germline): Uncertain significance (1 of 4 stars; one submission).

Conditions:
TECTA-related disorder. Also called: TECTA-related condition.

Submission:

PreventionGenetics, part of Exact Sciences
Classification: Uncertain significance for TECTA-related condition. Last evaluated: 2026-07-08. Review status: criteria provided, single submitter. Criteria: ACMG Guidelines, 2015. Collection method: clinical testing. Allele origin: germline.
Comment: The TECTA c.5870A>T variant is predicted to result in the amino acid substitution p.Asp1957Val. To our knowledge, this variant has not been reported in the literature or in a large population database (gnomAD), indicating this variant is rare. At this time, the clinical significance of this variant is uncertain due to the absence of conclusive functional and genetic evidence.